The following is an entry in ClinVar:

NM_001201427.2(DAAM2):c.2485G>A (p.Ala829Thr)

Genes: DAAM2 (dishevelled associated activator of morphogenesis 2; plus strand), DAAM2-AS1 (DAAM2 antisense RNA 1; minus strand). Cytogenetic location: 6p21.2.
Variant type: single nucleotide variant.
Coding change: c.2485G>A on transcript NM_001201427.2 (MANE Select); coding-DNA position 2485, G replaced by A.
Protein change: p.Ala829Thr; replaces alanine 829 with threonine.
Molecular consequence: missense variant.
Genome position (GRCh38, 1-based): chr6:39,896,955, G>A. VCF-style: chr6-39896955-G-A. GRCh37 (hg19) VCF-style: chr6-39864731-G-A.
Other names: c.2485G>A, p.Ala829Thr (NM_015345.4); short protein forms A829T.
Identifiers: ClinVar variation 3346712 (VCV003346712.1).
Genomic context (GRCh38, chr6:39,896,955, plus strand): 5'-ATGAACAAAGGGCAGCGTGGGGGCGCCTACGGGTTCCGGGTGGCCAGCCTCAACAAGATC[G>A]CTGACACCAAGTCCAGCATCGACAGGTGAGGACCTCCCTTCCCGGCCACTTCCTTGGCCT-3'
Protein context (NP_001188356.1, residues 819-839): GFRVASLNKI[Ala829Thr]DTKSSIDRNI

ClinVar aggregate classification (germline): Uncertain significance (0 of 4 stars; one submission).

Conditions:
DAAM2-related disorder. Also called: DAAM2-related condition.

Submission:

PreventionGenetics, part of Exact Sciences
Classification: Uncertain significance for DAAM2-related condition. Last evaluated: 2024-04-18. Review status: no assertion criteria provided. Collection method: clinical testing. Allele origin: germline.
Comment: The DAAM2 c.2485G>A variant is predicted to result in the amino acid substitution p.Ala829Thr. To our knowledge, this variant has not been reported in the literature. This variant is reported in 0.00090% of alleles in individuals of European (Non-Finnish) descent in gnomAD. At this time, the clinical significance of this variant is uncertain due to the absence of conclusive functional and genetic evidence.